The following is an entry in ClinVar:

NM_004371.4(COPA):c.309+5G>A

Gene: COPA (coat protein complex I subunit alpha; minus strand). Cytogenetic location: 1q23.2.
Variant type: single nucleotide variant.
Coding change: c.309+5G>A on transcript NM_004371.4 (MANE Select); 5 bases into the intron after coding-DNA position 309, G replaced by A.
Molecular consequence: intron variant.
Genome position (GRCh38, 1-based): chr1:160,335,237, C>T on the plus strand (G>A on the coding strand, the complement: COPA is on the minus strand). VCF-style: chr1-160335237-C-T. GRCh37 (hg19) VCF-style: chr1-160305027-C-T.
Other names: c.309+5G>A (NM_001098398.2).
Identifiers: ClinVar variation 2859640 (VCV002859640.3), dbSNP rs2525462673, ClinGen allele CA2739275356.

ClinVar aggregate classification (germline): Uncertain significance (1 of 4 stars; one submission).

Conditions:
Autoimmune interstitial lung disease-arthritis syndrome. Also called: Autoinflammation and autoimmunity, systemic, with immune dysregulation. Identifiers: Orphanet 444092, MedGen C5975714, MONDO:0014629.

Submission:

Labcorp Genetics (formerly Invitae), Labcorp
Classification: Uncertain significance for Autoimmune interstitial lung disease-arthritis syndrome. Last evaluated: 2024-01-18. Review status: criteria provided, single submitter. Criteria: Invitae Variant Classification Sherloc (09022015). Collection method: clinical testing. Allele origin: germline.
Comment: This sequence change falls in intron 4 of the COPA gene. It does not directly change the encoded amino acid sequence of the COPA protein. It affects a nucleotide within the consensus splice site. This variant is not present in population databases (gnomAD no frequency). This variant has not been reported in the literature in individuals affected with COPA-related conditions. Variants that disrupt the consensus splice site are a relatively common cause of aberrant splicing (PMID: 17576681, 9536098). Algorithms developed to predict the effect of sequence changes on RNA splicing suggest that this variant may disrupt the consensus splice site. In summary, the available evidence is currently insufficient to determine the role of this variant in disease. Therefore, it has been classified as a Variant of Uncertain Significance.

Literature cited by the submitters: PubMed 17576681; PubMed 9536098.